The following is an entry in ClinVar:

ClinVar aggregate classification (germline): Conflicting classifications of pathogenicity. Review status: criteria provided, conflicting classifications (1 of 4 stars). 3 submissions from 3 submitters: Pathogenic (1); Uncertain significance (1). 1 of the submissions does not count toward it. Last evaluated 2021-10-03.

Conditions:
Decreased circulating carnitine concentration. Also called: Decreased plasma carnitine. Identifiers: MedGen C5848230, HP:0003234.
Renal carnitine transport defect (CDSP). Also called: Primary carnitine deficiency; Systemic primary carnitine deficiency; CARNITINE DEFICIENCY, SYSTEMIC, DUE TO DEFECT IN RENAL REABSORPTION OF CARNITINE; CARNITINE TRANSPORTER, PLASMA-MEMBRANE, DEFICIENCY OF; CARNITINE UPTAKE DEFECT; Systemic primary carnitine deficiency disease. Identifiers: Orphanet 158, MedGen C0342788, MONDO:0008919, OMIM 212140.

Allele frequency attached by ClinVar (database versions not stated): TOPMed below 0.00001; gnomAD exomes below 0.00001.
gnomAD v4.1: 4 of 1,613,020 alleles (0.00025%); highest among the groups gnomAD compares: Non-Finnish European, 0.00017%; no homozygotes.

Submissions (3):

Labcorp Genetics (formerly Invitae), Labcorp
Classification: Pathogenic for Renal carnitine transport defect. Last evaluated: 2021-10-03. Review status: criteria provided, single submitter. Criteria: Invitae Variant Classification Sherloc (09022015). Collection method: clinical testing. Allele origin: germline.
Comment: For these reasons, this variant has been classified as Pathogenic. This variant disrupts the p.Trp14 amino acid residue in SLC22A5. Other variant(s) that disrupt this residue have been determined to be pathogenic (Invitae). This suggests that this residue is clinically significant, and that variants that disrupt this residue are likely to be disease-causing. Advanced modeling of protein sequence and biophysical properties (such as structural, functional, and spatial information, amino acid conservation, physicochemical variation, residue mobility, and thermodynamic stability) performed at Invitae indicates that this missense variant is expected to disrupt SLC22A5 protein function. ClinVar contains an entry for this variant (Variation ID: 580421). This variant has been observed in individual(s) with primary carnitine deficiency (PMID: 32371215). This variant is not present in population databases (ExAC no frequency). This sequence change replaces tryptophan with arginine at codon 14 of the SLC22A5 protein (p.Trp14Arg). The tryptophan residue is highly conserved and there is a moderate physicochemical difference between tryptophan and arginine.

Juno Genomics, Hangzhou Juno Genomics, Inc
Classification: Uncertain significance for Renal carnitine transport defect. Review status: criteria provided, single submitter. Criteria: ACMG Guidelines, 2015. Collection method: clinical testing. Allele origin: germline.
Comment: Absent from controls (or at extremely low frequency if recessive) in Genome Aggregation Database.;Multiple lines of computational evidence support a deleterious effect on the gene or gene product.

Natera, Inc.
Classification: Uncertain significance for Carnitine deficiency. Last evaluated: 2021-04-28. Review status: no assertion criteria provided. Collection method: clinical testing. Allele origin: germline. Not counted in ClinVar's aggregate classification.

Literature cited by the submitters: PubMed 32371215 (cited by Labcorp Genetics (formerly Invitae), Labcorp).

NM_003060.4(SLC22A5):c.40T>A (p.Trp14Arg)

Gene: SLC22A5 (solute carrier family 22 member 5; plus strand). Cytogenetic location: 5q31.1.
Variant type: single nucleotide variant.
Coding change: c.40T>A on transcript NM_003060.4 (MANE Select); coding-DNA position 40, T replaced by A.
Protein change: p.Trp14Arg; replaces tryptophan 14 with arginine.
Molecular consequence: missense variant.
Genome position (GRCh38, 1-based): chr5:132,370,012, T>A. VCF-style: chr5-132370012-T-A. GRCh37 (hg19) VCF-style: chr5-131705704-T-A.
Other names: c.40T>A, p.Trp14Arg (NM_001308122.2); short protein forms W14R.
Identifiers: ClinVar variation 580421 (VCV000580421.13), dbSNP rs756863825, ClinGen allele CA127196122.